The following is an entry in ClinVar:

ClinVar aggregate classification (germline): Uncertain significance (1 of 4 stars; one submission).

Conditions:
Chédiak-Higashi syndrome (CHS). Also called: Chediak-Higashi Syndrome. Identifiers: Orphanet 167, MedGen C0007965, MONDO:0008963, OMIM 214500.

Allele frequency attached by ClinVar (database versions not stated): gnomAD exomes below 0.00001.
gnomAD v4.1: 2 of 1,610,880 alleles (0.00012%); highest among the groups gnomAD compares: Non-Finnish European, 0.00017%; no homozygotes.

Submission:

Labcorp Genetics (formerly Invitae), Labcorp
Classification: Uncertain significance for Chédiak-Higashi syndrome. Last evaluated: 2021-08-28. Review status: criteria provided, single submitter. Criteria: Invitae Variant Classification Sherloc (09022015). Collection method: clinical testing. Allele origin: germline.
Comment: This sequence change replaces glutamine with arginine at codon 1131 of the LYST protein (p.Gln1131Arg). The glutamine residue is moderately conserved and there is a small physicochemical difference between glutamine and arginine. This variant is not present in population databases (ExAC no frequency). This variant has not been reported in the literature in individuals affected with LYST-related conditions. Algorithms developed to predict the effect of missense changes on protein structure and function are either unavailable or do not agree on the potential impact of this missense change (SIFT: "Tolerated"; PolyPhen-2: "Probably Damaging"; Align-GVGD: "Class C0"). Algorithms developed to predict the effect of sequence changes on RNA splicing suggest that this variant may disrupt the consensus splice site. In summary, the available evidence is currently insufficient to determine the role of this variant in disease. Therefore, it has been classified as a Variant of Uncertain Significance.

NM_000081.4(LYST):c.3392A>G (p.Gln1131Arg)

Gene: LYST (lysosomal trafficking regulator; minus strand). Cytogenetic location: 1q42.3.
Variant type: single nucleotide variant.
Coding change: c.3392A>G on transcript NM_000081.4 (MANE Select); coding-DNA position 3392, A replaced by G.
Protein change: p.Gln1131Arg; replaces glutamine 1131 with arginine.
Molecular consequence: missense variant.
Genome position (GRCh38, 1-based): chr1:235,805,744, T>C on the plus strand (A>G on the coding strand, the complement: LYST is on the minus strand). VCF-style: chr1-235805744-T-C. GRCh37 (hg19) VCF-style: chr1-235969044-T-C.
Other names: c.3392A>G, p.Gln1131Arg (NM_001301365.1); short protein forms Q1131R.
Identifiers: ClinVar variation 933954 (VCV000933954.7), dbSNP rs2527069131, ClinGen allele CA344950880.
Genomic context (GRCh38, chr1:235,805,744, plus strand): 5'-GTGTGTGTATATATATGTATATATATTACATAAGAGTTGGACTAAGGACAAGGTATTACC[T>C]GATTAGGTAACTCCAATTCCATCTTCTGTTGACTAGTTCTGGCACCATGAAGACAAATGG-3'
Protein context (NP_000072.2, residues 1121-1141): QQKMELELPN[Gln1131Arg]NLSVESILFE